The following is an entry in ClinVar:

NM_152564.5(VPS13B):c.3082+2T>C

Gene: VPS13B (vacuolar protein sorting 13 homolog B; plus strand). Cytogenetic location: 8q22.2.
Variant type: single nucleotide variant.
Coding change: c.3082+2T>C on transcript NM_152564.5 (MANE Select); the canonical splice donor site of the intron after coding-DNA position 3082, T replaced by C.
Molecular consequence: splice donor variant.
Genome position (GRCh38, 1-based): chr8:99,391,706, T>C. VCF-style: chr8-99391706-T-C. GRCh37 (hg19) VCF-style: chr8-100403934-T-C.
Other names: c.3082+2T>C (NM_017890.5).
Identifiers: ClinVar variation 556973 (VCV000556973.10), dbSNP rs1188811827, ClinGen allele CA371865886.
Genomic context (GRCh38, chr8:99,391,706, plus strand): 5'-GCAATCATATCAGGCCTCTGAATATGCCAGCAGCCCTGTAAAAACAAAAACGGTAACAGG[T>C]ATGTGTCAAGTACTGTAAAGGGACTATGATTGTACTCTACTTCTAAGCTAGCAAGTTAGC-3'

ClinVar aggregate classification (germline): Likely pathogenic. Review status: criteria provided, single submitter (1 of 4 stars). 2 submissions from 2 submitters: Likely pathogenic (1). 1 of the submissions does not count toward it. Last evaluated 2022-09-16.

Conditions:
Cohen syndrome (COH1). Also called: Cutis verticis gyrata, retinitis pigmentosa, and sensorineural deafness; PEPPER SYNDROME. Identifiers: Orphanet 193, MedGen C0265223, MONDO:0008999, OMIM 216550.

Allele frequency attached by ClinVar (database versions not stated): gnomAD exomes below 0.00001; TOPMed below 0.00001; gnomAD 0.00001.
gnomAD v4.1: 2 of 1,613,788 alleles (0.00012%); highest among the groups gnomAD compares: Admixed American, 0.0033%; no homozygotes.

Submissions (2):

Labcorp Genetics (formerly Invitae), Labcorp
Classification: Likely pathogenic for Cohen syndrome. Last evaluated: 2022-09-16. Review status: criteria provided, single submitter. Criteria: Invitae Variant Classification Sherloc (09022015). Collection method: clinical testing. Allele origin: germline.
Comment: In summary, the currently available evidence indicates that the variant is pathogenic, but additional data are needed to prove that conclusively. Therefore, this variant has been classified as Likely Pathogenic. ClinVar contains an entry for this variant (Variation ID: 556973). This variant has not been reported in the literature in individuals affected with VPS13B-related conditions. Algorithms developed to predict the effect of sequence changes on RNA splicing suggest that this variant may disrupt the consensus splice site. This variant is not present in population databases (gnomAD no frequency). This sequence change affects a donor splice site in intron 21 of the VPS13B gene. It is expected to disrupt RNA splicing. Variants that disrupt the donor or acceptor splice site typically lead to a loss of protein function (PMID: 16199547), and loss-of-function variants in VPS13B are known to be pathogenic (PMID: 15141358, 16648375, 20461111).

Counsyl
Classification: Likely pathogenic for Cohen syndrome. Last evaluated: 2018-03-01. Review status: no assertion criteria provided. Collection method: clinical testing. Allele origin: unknown. Not counted in ClinVar's aggregate classification.

Literature cited by the submitters: PubMed 16199547 (cited by Labcorp Genetics (formerly Invitae), Labcorp); PubMed 15141358 (cited by Labcorp Genetics (formerly Invitae), Labcorp); PubMed 16648375 (cited by Labcorp Genetics (formerly Invitae), Labcorp); PubMed 20461111 (cited by Labcorp Genetics (formerly Invitae), Labcorp).